The following is an entry in ClinVar:

ClinVar aggregate classification (germline): Pathogenic. Review status: reviewed by expert panel (3 of 4 stars). 9 submissions from 9 submitters: Pathogenic (1). 8 of the submissions do not count toward it. Last evaluated 2016-09-08.

Conditions:
Inherited breast cancer and ovarian cancer.
Hereditary cancer-predisposing syndrome. Also called: Tumor predisposition; Neoplastic Syndromes, Hereditary; Hereditary Cancer Syndrome; Hereditary neoplastic syndrome. Identifiers: Orphanet 140162, MedGen C0027672, MeSH D009386, MONDO:0015356.
Breast and/or ovarian cancer. Identifiers: MedGen CN221562.
Hereditary breast ovarian cancer syndrome. Also called: Hereditary breast and ovarian cancer syndrome (HBOC); Hereditary breast and ovarian cancer; Hereditary breast and ovarian cancer syndrome; Hereditary breast and/or ovarian cancer syndrome; Breast and ovarian cancer; BRCA1- and BRCA2-Associated Hereditary Breast and Ovarian Cancer. Identifiers: Orphanet 145, MedGen C0677776, MeSH D061325, MONDO:0003582. Disease mechanism: loss of function.
Breast-ovarian cancer, familial, susceptibility to, 2 (BROVCA2). Also called: BRCA2 Hereditary Breast and Ovarian Cancer. Identifiers: Orphanet 145, MedGen C2675520, MONDO:0012933, OMIM 612555. Disease mechanism: loss of function.

Submissions (9):

Evidence-based Network for the Interpretation of Germline Mutant Alleles (ENIGMA)
Classification: Pathogenic for Breast-ovarian cancer, familial, susceptibility to, 2. Last evaluated: 2016-09-08. Review status: reviewed by expert panel. Criteria: ENIGMA BRCA1/2 Classification Criteria (2015). Collection method: curation. Allele origin: germline.
Comment: Variant allele predicted to encode a truncated non-functional protein.

Genetics Laboratory, Great Ormond Street Hospital NHS Foundation Trust, North Thames Genomic Laboratory Hub
Classification: Pathogenic for Inherited breast cancer and ovarian cancer. Last evaluated: 2026-03-02. Review status: criteria provided, single submitter. Criteria: CanVIG BRCA Gene Specific V1.22. Collection method: clinical testing. Allele origin: germline. Affected: yes. Not counted in ClinVar's aggregate classification.
Comment: PM2_moderate, PVS1_very-strong, PM5_strong

Labcorp Genetics (formerly Invitae), Labcorp
Classification: Pathogenic for Hereditary breast ovarian cancer syndrome. Last evaluated: 2025-05-05. Review status: criteria provided, single submitter. Criteria: Invitae Variant Classification Sherloc (09022015). Collection method: clinical testing. Allele origin: germline. Not counted in ClinVar's aggregate classification.
Comment: This sequence change creates a premature translational stop signal (p.Ser1955Argfs*4) in the BRCA2 gene. It is expected to result in an absent or disrupted protein product. Loss-of-function variants in BRCA2 are known to be pathogenic (PMID: 20104584). This variant is not present in population databases (gnomAD no frequency). This premature translational stop signal has been observed in individual(s) with clinical features of hereditary breast and ovarian cancer syndrome (PMID: 29446198). ClinVar contains an entry for this variant (Variation ID: 186109). For these reasons, this variant has been classified as Pathogenic.

Quest Diagnostics Nichols Institute San Juan Capistrano
Classification: Likely pathogenic. Last evaluated: 2024-09-25. Review status: criteria provided, single submitter. Criteria: Quest Diagnostics criteria. Collection method: clinical testing. Allele origin: unknown. Not counted in ClinVar's aggregate classification.
Comment: The BRCA2 c.5862_5863del (p.Ser1955Argfs*4) variant alters the translational reading frame of the BRCA2 mRNA and is predicted to cause the premature termination of BRCA2 protein synthesis. This variant has been reported in the published literature in individuals undergoing unspecified genetic testing (PMID: 29446198 (2018), 28726806 (2018)). This variant has not been reported in large, multi-ethnic general populations (Genome Aggregation Database). Based on the available information, this variant is classified as likely pathogenic.

Ambry Genetics
Classification: Pathogenic for Hereditary cancer-predisposing syndrome. Last evaluated: 2023-06-20. Review status: criteria provided, single submitter. Criteria: Ambry Variant Classification Scheme 2023. Collection method: clinical testing. Allele origin: germline. Not counted in ClinVar's aggregate classification.
Comment: The c.5862_5863delTT pathogenic mutation, located in coding exon 10 of the BRCA2 gene, results from a deletion of two nucleotides at nucleotide positions 5862 to 5863, causing a translational frameshift with a predicted alternate stop codon (p.S1954Rfs*4). This alteration is expected to result in loss of function by premature protein truncation or nonsense-mediated mRNA decay. As such, this alteration is interpreted as a disease-causing mutation.

CHEO Genetics Diagnostic Laboratory, Children's Hospital of Eastern Ontario
Classification: Likely pathogenic for Breast and/or ovarian cancer. Last evaluated: 2023-04-27. Review status: criteria provided, single submitter. Criteria: ACMG Guidelines, 2015. Collection method: clinical testing. Allele origin: germline. Not counted in ClinVar's aggregate classification.

Consortium of Investigators of Modifiers of BRCA1/2 (CIMBA), c/o University of Cambridge
Classification: Pathogenic for Breast-ovarian cancer, familial, susceptibility to, 2. Last evaluated: 2015-10-02. Review status: criteria provided, single submitter. Criteria: CIMBA Mutation Classification guidelines May 2016. Collection method: clinical testing. Allele origin: germline. Not counted in ClinVar's aggregate classification.

Department of Pathology and Laboratory Medicine, Sinai Health System
Classification: Likely pathogenic for Hereditary breast ovarian cancer syndrome. Review status: criteria provided, single submitter. Criteria: ACMG Guidelines, 2015. Collection method: clinical testing. Allele origin: germline. Affected: yes. Study: The Canadian Open Genetics Repository (COGR). Not counted in ClinVar's aggregate classification.

Research Molecular Genetics Laboratory, Women's College Hospital, University of Toronto
Classification: Pathogenic for Hereditary breast ovarian cancer syndrome. Last evaluated: 2014-01-31. Review status: no assertion criteria provided. Collection method: research. Allele origin: germline. Affected: yes. Study: The Canadian Open Genetics Repository (COGR). Not counted in ClinVar's aggregate classification.

Literature cited by the submitters: PubMed 20104584 (cited by Labcorp Genetics (formerly Invitae), Labcorp); PubMed 29446198 (cited by Labcorp Genetics (formerly Invitae), Labcorp and Quest Diagnostics Nichols Institute San Juan Capistrano); PubMed 28726806 (cited by Quest Diagnostics Nichols Institute San Juan Capistrano).

NM_000059.4(BRCA2):c.5862_5863del (p.Ser1955fs)

Gene: BRCA2 (BRCA2 DNA repair associated; plus strand). Cytogenetic location: 13q13.1.
Variant type: Deletion.
Coding change: c.5862_5863del on transcript NM_000059.4 (MANE Select); coding-DNA positions 5862 to 5863, 2 bases deleted (TT; older notation c.5862_5863delTT).
Protein change: p.Ser1955fs; shifts the reading frame from serine 1955.
Molecular consequence: frameshift variant.
Genome position (GRCh38, 1-based): chr13:32,340,217-32,340,218, TT deleted. VCF-style (leftmost placement, unchanged base first): chr13-32340216-CTT-C. GRCh37 (hg19) VCF-style: chr13-32914353-CTT-C.
Other names: c.5862_5863delTT (NM_000059.3).
Identifiers: ClinVar variation 186109 (VCV000186109.23), dbSNP rs786202700, ClinGen allele CA023313.